The following is an entry in ClinVar:

NM_004385.5(VCAN):c.8098G>C (p.Ala2700Pro)

Genes: VCAN (versican; plus strand), VCAN-AS1 (VCAN antisense RNA 1; minus strand). Cytogenetic location: 5q14.3.
Variant type: single nucleotide variant.
Coding change: c.8098G>C on transcript NM_004385.5 (MANE Select); coding-DNA position 8098, G replaced by C.
Protein change: p.Ala2700Pro; replaces alanine 2700 with proline.
Molecular consequence: missense variant. On other transcripts: intron variant (2).
Genome position (GRCh38, 1-based): chr5:83,541,101, G>C. VCF-style: chr5-83541101-G-C. GRCh37 (hg19) VCF-style: chr5-82836920-G-C.
Other names: c.5137G>C, p.Ala1713Pro (NM_001164097.2); c.4004-4436G>C (NM_001164098.2); c.1043-4436G>C (NM_001126336.3); short protein forms A2700P, A1713P.
Identifiers: ClinVar variation 2990965 (VCV002990965.3), dbSNP rs200117608, ClinGen allele CA360316173.

ClinVar aggregate classification (germline): Uncertain significance (1 of 4 stars; one submission).

Submission:

Labcorp Genetics (formerly Invitae), Labcorp
Classification: Uncertain significance. Last evaluated: 2023-04-10. Review status: criteria provided, single submitter. Criteria: Invitae Variant Classification Sherloc (09022015). Collection method: clinical testing. Allele origin: germline.
Comment: In summary, the available evidence is currently insufficient to determine the role of this variant in disease. Therefore, it has been classified as a Variant of Uncertain Significance. Algorithms developed to predict the effect of missense changes on protein structure and function output the following: SIFT: "Not Available"; PolyPhen-2: "Benign"; Align-GVGD: "Not Available". The proline amino acid residue is found in multiple mammalian species, which suggests that this missense change does not adversely affect protein function. This variant has not been reported in the literature in individuals affected with VCAN-related conditions. This variant is not present in population databases (gnomAD no frequency). This sequence change replaces alanine, which is neutral and non-polar, with proline, which is neutral and non-polar, at codon 2700 of the VCAN protein (p.Ala2700Pro).